The following is an entry in ClinVar:

ClinVar aggregate classification (germline): Uncertain significance (1 of 4 stars; one submission).

Conditions:
Glycogen storage disease type III (GSD3). Also called: Cori disease; FORBES DISEASE. Identifiers: Orphanet 366, MedGen C0017922, MONDO:0009291, OMIM 232400.

Allele frequency attached by ClinVar (database versions not stated): TOPMed below 0.00001; gnomAD exomes 0.00001.

Submission:

Labcorp Genetics (formerly Invitae), Labcorp
Classification: Uncertain significance for Glycogen storage disease type III. Last evaluated: 2021-12-21. Review status: criteria provided, single submitter. Criteria: Invitae Variant Classification Sherloc (09022015). Collection method: clinical testing. Allele origin: germline.
Comment: This sequence change replaces alanine, which is neutral and non-polar, with proline, which is neutral and non-polar, at codon 517 of the AGL protein (p.Ala517Pro). This variant is not present in population databases (gnomAD no frequency). This variant has not been reported in the literature in individuals affected with AGL-related conditions. Algorithms developed to predict the effect of missense changes on protein structure and function are either unavailable or do not agree on the potential impact of this missense change (SIFT: "Deleterious"; PolyPhen-2: "Probably Damaging"; Align-GVGD: "Class C0"). In summary, the available evidence is currently insufficient to determine the role of this variant in disease. Therefore, it has been classified as a Variant of Uncertain Significance.

NM_000642.3(AGL):c.1549G>C (p.Ala517Pro)

Gene: AGL (amylo-alpha-1,6-glucosidase and 4-alpha-glucanotransferase; plus strand). Cytogenetic location: 1p21.2.
Variant type: single nucleotide variant.
Coding change: c.1549G>C on transcript NM_000642.3 (MANE Select); coding-DNA position 1549, G replaced by C.
Protein change: p.Ala517Pro; replaces alanine 517 with proline.
Molecular consequence: missense variant.
Genome position (GRCh38, 1-based): chr1:99,877,766, G>C. VCF-style: chr1-99877766-G-C. GRCh37 (hg19) VCF-style: chr1-100343322-G-C.
Other names: c.1549G>C, p.Ala517Pro (NM_000028.3, NM_000643.3, NM_000644.3 and 2 more transcripts); c.1501G>C, p.Ala501Pro (NM_000646.3); c.1348G>C, p.Ala450Pro (NM_001425327.1); c.1345G>C, p.Ala449Pro (NM_001425328.1, NM_001425329.1); c.1171G>C, p.Ala391Pro (NM_001425332.1); short protein forms A517P, A501P, A391P, A449P, A450P.
Identifiers: ClinVar variation 2195903 (VCV002195903.1), dbSNP rs1170538612, ClinGen allele CA341314759.